The following is an entry in ClinVar:

NM_001142800.2(EYS):c.6922T>C (p.Cys2308Arg)

Gene: EYS (EGF-like photoreceptor maintenance factor; minus strand). Cytogenetic location: 6q12.
Variant type: single nucleotide variant.
Coding change: c.6922T>C on transcript NM_001142800.2 (MANE Select); coding-DNA position 6922, T replaced by C.
Protein change: p.Cys2308Arg; replaces cysteine 2308 with arginine.
Molecular consequence: missense variant.
Genome position (GRCh38, 1-based): chr6:63,984,516, A>G on the plus strand (T>C on the coding strand, the complement: EYS is on the minus strand). VCF-style: chr6-63984516-A-G. GRCh37 (hg19) VCF-style: chr6-64694409-A-G.
Other names: c.6922T>C, p.Cys2308Arg (NM_001292009.2); short protein forms C2308R.
Identifiers: ClinVar variation 2001832 (VCV002001832.4), dbSNP rs2533329601, ClinGen allele CA364388774.
Genomic context (GRCh38, chr6:63,984,516, plus strand): 5'-CATGTCGTGCTTCATCGATGATGAAGAATTCTTTGTTGTTTACTTGAAGGTCTAGAATGC[A>G]GCCCCTGAACCCATAAACAGGACCTGCTTTCTTATGAATTTGAACATTTGCAGGAATATG-3'
Protein context (NP_001136272.1, residues 2298-2318): KAGPVYGFRG[Cys2308Arg]ILDLQVNNKE

ClinVar aggregate classification (germline): Uncertain significance (1 of 4 stars; one submission).

Submission:

Labcorp Genetics (formerly Invitae), Labcorp
Classification: Uncertain significance. Last evaluated: 2022-11-01. Review status: criteria provided, single submitter. Criteria: Invitae Variant Classification Sherloc (09022015). Collection method: clinical testing. Allele origin: germline.
Comment: In summary, the available evidence is currently insufficient to determine the role of this variant in disease. Therefore, it has been classified as a Variant of Uncertain Significance. Algorithms developed to predict the effect of missense changes on protein structure and function (SIFT, PolyPhen-2, Align-GVGD) all suggest that this variant is likely to be disruptive. This variant has not been reported in the literature in individuals affected with EYS-related conditions. This variant is not present in population databases (gnomAD no frequency). This sequence change replaces cysteine, which is neutral and slightly polar, with arginine, which is basic and polar, at codon 2308 of the EYS protein (p.Cys2308Arg).